The following is an entry in ClinVar:

NM_032776.3(JMJD1C):c.2594A>G (p.Gln865Arg)

Gene: JMJD1C (jumonji domain containing 1C; minus strand). Cytogenetic location: 10q21.3.
Variant type: single nucleotide variant.
Coding change: c.2594A>G on transcript NM_032776.3 (MANE Select); coding-DNA position 2594, A replaced by G.
Protein change: p.Gln865Arg; replaces glutamine 865 with arginine.
Molecular consequence: missense variant. On other transcripts: non-coding transcript variant (1).
Genome position (GRCh38, 1-based): chr10:63,213,573, T>C on the plus strand (A>G on the coding strand, the complement: JMJD1C is on the minus strand). VCF-style: chr10-63213573-T-C. GRCh37 (hg19) VCF-style: chr10-64973333-T-C.
Other names: c.2048A>G, p.Gln683Arg (NM_001282948.2, NM_001318154.2); c.1730A>G, p.Gln577Arg (NM_001318153.2); c.2480A>G, p.Gln827Arg (NM_001322252.2); c.1937A>G, p.Gln646Arg (NM_001322254.2, NM_001322258.2); short protein forms Q577R, Q827R, Q646R, Q683R, Q865R.
Identifiers: ClinVar variation 3711587 (VCV003711587.2).

ClinVar aggregate classification (germline): Uncertain significance (1 of 4 stars; one submission).

Conditions:
Early Myoclonic Encephalopathy. Identifiers: MedGen C0270855.

Submission:

Labcorp Genetics (formerly Invitae), Labcorp
Classification: Uncertain significance for Early Myoclonic Encephalopathy. Last evaluated: 2024-12-12. Review status: criteria provided, single submitter. Criteria: Invitae Variant Classification Sherloc (09022015). Collection method: clinical testing. Allele origin: germline.
Comment: This sequence change replaces glutamine, which is neutral and polar, with arginine, which is basic and polar, at codon 865 of the JMJD1C protein (p.Gln865Arg). This variant is not present in population databases (gnomAD no frequency). This variant has not been reported in the literature in individuals affected with JMJD1C-related conditions. Invitae Evidence Modeling of protein sequence and biophysical properties (such as structural, functional, and spatial information, amino acid conservation, physicochemical variation, residue mobility, and thermodynamic stability) indicates that this missense variant is expected to disrupt JMJD1C protein function with a positive predictive value of 80%. In summary, the available evidence is currently insufficient to determine the role of this variant in disease. Therefore, it has been classified as a Variant of Uncertain Significance.